The following is an entry in ClinVar:

NM_006591.3(POLD3):c.1177C>G (p.Leu393Val)

Gene: POLD3 (DNA polymerase delta 3, accessory subunit; plus strand). Cytogenetic location: 11q13.4.
Variant type: single nucleotide variant.
Coding change: c.1177C>G on transcript NM_006591.3 (MANE Select); coding-DNA position 1177, C replaced by G.
Protein change: p.Leu393Val; replaces leucine 393 with valine.
Molecular consequence: missense variant. On other transcripts: non-coding transcript variant (2).
Genome position (GRCh38, 1-based): chr11:74,636,254, C>G. VCF-style: chr11-74636254-C-G. GRCh37 (hg19) VCF-style: chr11-74347299-C-G.
Other names: c.1060C>G, p.Leu354Val (NM_001363597.2); short protein forms L354V, L393V.
Identifiers: ClinVar variation 4981292 (VCV004981292.1).

ClinVar aggregate classification (germline): Benign (1 of 4 stars; one submission).

Conditions:
POLD3-related disorder. Also called: POLD3-related condition.

gnomAD v4.1: 7,375 of 1,612,756 alleles (0.46%); highest among the groups gnomAD compares: Middle Eastern, 1.4%; 46 homozygotes.

Submission:

PreventionGenetics, part of Exact Sciences
Classification: Benign for POLD3-related condition. Last evaluated: 2025-03-14. Review status: criteria provided, single submitter. Criteria: ACMG Guidelines, 2015. Collection method: clinical testing. Allele origin: germline.
Comment: This variant is classified as benign based on ACMG/AMP sequence variant interpretation guidelines (Richards et al. 2015 PMID: 25741868, with internal and published modifications).